The following is an entry in ClinVar:

ClinVar aggregate classification (germline): Uncertain significance (1 of 4 stars; one submission).

Conditions:
Supravalvar aortic stenosis (SVAS). Also called: Supravalvar aortic stenosis, Eisenberg type. Identifiers: Orphanet 3193, MedGen C0003499, MONDO:0008504, OMIM 185500, HP:0004381.

Allele frequency attached by ClinVar (database versions not stated): gnomAD 0.00002.

Submission:

Labcorp Genetics (formerly Invitae), Labcorp
Classification: Uncertain significance for Supravalvar aortic stenosis. Last evaluated: 2022-07-25. Review status: criteria provided, single submitter. Criteria: Invitae Variant Classification Sherloc (09022015). Collection method: clinical testing. Allele origin: germline.
Comment: This variant has not been reported in the literature in individuals affected with ELN-related conditions. In summary, the available evidence is currently insufficient to determine the role of this variant in disease. Therefore, it has been classified as a Variant of Uncertain Significance. Algorithms developed to predict the effect of missense changes on protein structure and function are either unavailable or do not agree on the potential impact of this missense change (SIFT: "Deleterious"; PolyPhen-2: "Not Available"; Align-GVGD: "Class C0"). This variant is present in population databases (no rsID available, gnomAD 0.01%). This sequence change replaces glycine, which is neutral and non-polar, with glutamic acid, which is acidic and polar, at codon 402 of the ELN protein (p.Gly402Glu).

NM_000501.4(ELN):c.1205G>A (p.Gly402Glu)

Gene: ELN (elastin; plus strand). Cytogenetic location: 7q11.23.
Variant type: single nucleotide variant.
Coding change: c.1205G>A on transcript NM_000501.4 (MANE Select); coding-DNA position 1205, G replaced by A.
Protein change: p.Gly402Glu; replaces glycine 402 with glutamic acid.
Molecular consequence: missense variant.
Genome position (GRCh38, 1-based): chr7:74,056,325, G>A. VCF-style: chr7-74056325-G-A. GRCh37 (hg19) VCF-style: chr7-73470655-G-A.
Other names: c.1175G>A, p.Gly392Glu (NM_001081752.3, NM_001278917.2); c.1220G>A, p.Gly407Glu (NM_001081753.3, NM_001081754.3); c.1205G>A, p.Gly402Glu (NM_001081755.3, NM_001278912.2, NM_001278915.2 and 1 more transcripts); c.1097G>A, p.Gly366Glu (NM_001278913.2); c.1190G>A, p.Gly397Glu (NM_001278914.2); c.1163G>A, p.Gly388Glu (NM_001278916.2); c.1073G>A, p.Gly358Glu (NM_001278918.2); short protein forms G358E, G388E, G397E, G402E, G366E, G407E, G392E.
Identifiers: ClinVar variation 2178795 (VCV002178795.4), dbSNP rs1554679663, ClinGen allele CA367881682.